The following is an entry in ClinVar:

NM_001083116.3(PRF1):c.393C>T (p.Val131=)

Gene: PRF1 (perforin 1; minus strand). Cytogenetic location: 10q22.1.
Variant type: single nucleotide variant.
Coding change: c.393C>T on transcript NM_001083116.3 (MANE Select); coding-DNA position 393, C replaced by T.
Protein change: p.Val131=; no amino-acid change (valine 131 retained).
Molecular consequence: synonymous variant.
Genome position (GRCh38, 1-based): chr10:70,600,510, G>A on the plus strand (C>T on the coding strand, the complement: PRF1 is on the minus strand). VCF-style: chr10-70600510-G-A. GRCh37 (hg19) VCF-style: chr10-72360266-G-A.
Other names: p.Val131=; c.393C>T, p.Val131= (NM_005041.6).
Identifiers: ClinVar variation 750939 (VCV000750939.11), dbSNP rs374948681, ClinGen allele CA5539049.

ClinVar aggregate classification (germline): Likely benign. Review status: criteria provided, multiple submitters, no conflicts (2 of 4 stars). 2 submissions from 2 submitters: Likely benign (2). Last evaluated 2025-12-22.

Conditions:
Familial hemophagocytic lymphohistiocytosis 2 (FHL2). Also called: PRF1-Related Familial Hemophagocytic Lymphohistiocytosis (PRF1-fHLH). Identifiers: Orphanet 540, MedGen C1863727, MONDO:0011337, OMIM 603553.

Allele frequency attached by ClinVar (database versions not stated): TOPMed 0.00005.
gnomAD v4.1: 80 of 1,614,022 alleles (0.005%); highest among the groups gnomAD compares: Non-Finnish European, 0.0063%; no homozygotes.

Submissions (2):

Labcorp Genetics (formerly Invitae), Labcorp
Classification: Likely benign for Familial hemophagocytic lymphohistiocytosis 2. Last evaluated: 2025-12-22. Review status: criteria provided, single submitter. Criteria: Invitae Variant Classification Sherloc (09022015). Collection method: clinical testing. Allele origin: germline.

Mayo Clinic Laboratories, Mayo Clinic
Classification: Likely benign. Last evaluated: 2025-08-19. Review status: criteria provided, single submitter. Criteria: ACMG Guidelines, 2015. Collection method: clinical testing. Allele origin: germline. Observed: 1 variant allele.
Comment: BP4, BP7